The following is an entry in ClinVar:

ClinVar aggregate classification (germline): Likely pathogenic (1 of 4 stars; one submission).

Submission:

Dasa
Classification: Likely pathogenic. Last evaluated: 2026-01-21. Review status: criteria provided, single submitter. Criteria: DASA Assertion Criteria. Collection method: clinical testing. Allele origin: germline.
Comment: NM_001034173.4(ALDH1L2):c.1169del (p.Gly390Valfs*24) is a frameshift variant in ALDH1L2 predicted to alter the reading frame and introduce a premature termination codon and is predicted to result in an absent or altered protein product. Loss of function is an established disease mechanism for ALDH1L2-associated disorders. Also, this variant is rare in population databases. Based on the currently available evidence, this variant is classified as likely pathogenic.

NM_001034173.4(ALDH1L2):c.1169del (p.Gly390fs)

Gene: ALDH1L2 (aldehyde dehydrogenase 1 family member L2; minus strand). Cytogenetic location: 12q23.3.
Variant type: Deletion.
Coding change: c.1169del on transcript NM_001034173.4 (MANE Select); coding-DNA position 1169, one base deleted (G; older notation c.1169delG).
Protein change: p.Gly390fs; shifts the reading frame from glycine 390.
Molecular consequence: frameshift variant. On other transcripts: non-coding transcript variant (1).
Genome position (GRCh38, 1-based): chr12:105,058,191, C deleted on the plus strand (G on the coding strand, the reverse complement: ALDH1L2 is on the minus strand); the first of 2 consecutive C bases (chr12:105,058,191-105,058,192); deleting either gives the same sequence. VCF-style (leftmost placement, unchanged base first): chr12-105058190-AC-A. GRCh37 (hg19) VCF-style: chr12-105451968-AC-A.
Other names: short protein forms G390fs.
Identifiers: ClinVar variation 4856831 (VCV004856831.2).
Genomic context (GRCh38, chr12:105,058,190, plus strand): 5'-TTGGATAAAGCCTTCAAACTTGGTGGCCATATAGACATCTTCATTCTGCAACTGAAGCCC[AC>A]CACATTTCTGTCTGATCTCTTCAACCAGCCTTAAAGTAAAAACCAGCTTCGCGTTACTTA-3'